The following is an entry in ClinVar:

NM_033380.3(COL4A5):c.4469A>T (p.Tyr1490Phe)

Gene: COL4A5 (collagen type IV alpha 5 chain; plus strand). Cytogenetic location: Xq22.3.
Variant type: single nucleotide variant.
Coding change: c.4469A>T on transcript NM_033380.3 (MANE Select); coding-DNA position 4469, A replaced by T.
Protein change: p.Tyr1490Phe; replaces tyrosine 1490 with phenylalanine.
Molecular consequence: missense variant.
Genome position (GRCh38, 1-based): chrX:108,687,635, A>T. VCF-style: chrX-108687635-A-T. GRCh37 (hg19) VCF-style: chrX-107930865-A-T.
Other names: c.4451A>T, p.Tyr1484Phe (NM_000495.5); short protein forms Y1484F, Y1490F.
Identifiers: ClinVar variation 1948658 (VCV001948658.2), dbSNP rs773448490, ClinGen allele CA413854580.

ClinVar aggregate classification (germline): Uncertain significance (1 of 4 stars; one submission).

Submission:

Labcorp Genetics (formerly Invitae), Labcorp
Classification: Uncertain significance. Last evaluated: 2021-05-07. Review status: criteria provided, single submitter. Criteria: Invitae Variant Classification Sherloc (09022015). Collection method: clinical testing. Allele origin: germline.
Comment: This sequence change replaces tyrosine with phenylalanine at codon 1484 of the COL4A5 protein (p.Tyr1484Phe). The tyrosine residue is highly conserved and there is a small physicochemical difference between tyrosine and phenylalanine. This variant is not present in population databases (ExAC no frequency). This variant has not been reported in the literature in individuals with COL4A5-related conditions. Advanced modeling of protein sequence and biophysical properties (such as structural, functional, and spatial information, amino acid conservation, physicochemical variation, residue mobility, and thermodynamic stability) performed at Invitae indicates that this missense variant is not expected to disrupt COL4A5 protein function. In summary, the available evidence is currently insufficient to determine the role of this variant in disease. Therefore, it has been classified as a Variant of Uncertain Significance.